The following is an entry in ClinVar:

NM_000257.4(MYH7):c.1681G>A (p.Ala561Thr)

Gene: MYH7 (myosin heavy chain 7; minus strand). Cytogenetic location: 14q11.2.
Variant type: single nucleotide variant.
Coding change: c.1681G>A on transcript NM_000257.4 (MANE Select); coding-DNA position 1681, G replaced by A.
Protein change: p.Ala561Thr; replaces alanine 561 with threonine.
Molecular consequence: missense variant.
Genome position (GRCh38, 1-based): chr14:23,427,792, C>T on the plus strand (G>A on the coding strand, the complement: MYH7 is on the minus strand). VCF-style: chr14-23427792-C-T. GRCh37 (hg19) VCF-style: chr14-23897001-C-T.
Other names: p.A561T:GCC>ACC; c.1681G>A (LRG_384t1); short protein forms A561T.
Identifiers: ClinVar variation 181352 (VCV000181352.27), dbSNP rs730880878, ClinGen allele CA011129.
Genomic context (GRCh38, chr14:23,427,792, plus strand): 5'-GGATCAGGGAGAAGTGGGCTTCAGGCTTCCCCTTGATATTGCGTGGCTTCTGGAAGTTGG[C>T]GGATTTGCCCAGGTGGTTGTCAAACAGCTTGGCCTTGAAGGTCATGTCGGTGGCCTTGGG-3'
Protein context (NP_000248.2, residues 551-571): KLFDNHLGKS[Ala561Thr]NFQKPRNIKG

ClinVar aggregate classification (germline): Uncertain significance. Review status: criteria provided, multiple submitters, no conflicts (2 of 4 stars). 5 submissions from 5 submitters: Uncertain significance (5). Last evaluated 2025-12-26.

Conditions:
Cardiovascular phenotype. Identifiers: MedGen CN230736.
Cardiomyopathy (CMYO). Also called: Cardiomyopathies. Identifiers: Orphanet 167848, MedGen C0878544, MONDO:0004994, HP:0001638. Inheritance: Various modes of inheritance.
Hypertrophic cardiomyopathy. Also called: HYPERTROPHIC MYOCARDIOPATHY. Identifiers: Orphanet 217569, MedGen C0007194, MeSH D002312, MONDO:0005045, HP:0001639.

Allele frequency attached by ClinVar (database versions not stated): gnomAD 0.00001; TOPMed 0.00002.

Submissions (5):

Labcorp Genetics (formerly Invitae), Labcorp
Classification: Uncertain significance for Hypertrophic cardiomyopathy. Last evaluated: 2025-12-26. Review status: criteria provided, single submitter. Criteria: Invitae Variant Classification Sherloc (09022015). Collection method: clinical testing. Allele origin: germline.
Comment: This sequence change replaces alanine, which is neutral and non-polar, with threonine, which is neutral and polar, at codon 561 of the MYH7 protein (p.Ala561Thr). This variant is present in population databases (rs730880878, gnomAD 0.01%). This missense change has been observed in individual(s) with hypertrophic cardiomyopathy and/or dilated cardiomyopathy (PMID: 18258667, 33552729, 33996946, 34542152). ClinVar contains an entry for this variant (Variation ID: 181352). Invitae Evidence Modeling of protein sequence and biophysical properties (such as structural, functional, and spatial information, amino acid conservation, physicochemical variation, residue mobility, and thermodynamic stability) indicates that this missense variant is not expected to disrupt MYH7 protein function with a negative predictive value of 95%. In summary, the available evidence is currently insufficient to determine the role of this variant in disease. Therefore, it has been classified as a Variant of Uncertain Significance.

Ambry Genetics
Classification: Uncertain significance for Cardiovascular phenotype. Last evaluated: 2025-11-14. Review status: criteria provided, single submitter. Criteria: Ambry Variant Classification Scheme 2023. Collection method: clinical testing. Allele origin: germline.
Comment: The p.A561T variant (also known as c.1681G>A), located in coding exon 14 of the MYH7 gene, results from a G to A substitution at nucleotide position 1681. The alanine at codon 561 is replaced by threonine, an amino acid with similar properties. This alteration is located in the myosin head domain, which contains a statistically significant clustering of pathogenic missense variants (Homburger JR et al. Proc Natl Acad Sci U S A, 2016 06;113:6701-6; Walsh R et al. Genet Med, 2017 02;19:192-203; Ambry internal data). This variant was reported in individual(s) with features consistent with hypertrophic or dilated cardiomyopathy (Waldm&uuml;ller S et al. Clin Chem, 2008 Apr;54:682-7; Haas J et al. Eur Heart J, 2015 May;36:1123-35a; Xiao L et al. Front Cardiovasc Med, 2021 Apr;8:657689; Ambry internal data). This amino acid position is poorly conserved in available vertebrate species. In addition, the in silico prediction for this alteration is inconclusive. Based on the available evidence, the clinical significance of this variant remains unclear.

Color Diagnostics, LLC DBA Color Health
Classification: Uncertain significance for Cardiomyopathy. Last evaluated: 2025-07-01. Review status: criteria provided, single submitter. Criteria: ACMG Guidelines, 2015. Collection method: clinical testing. Allele origin: germline.
Comment: This missense variant replaces alanine with threonine at codon 561 of the MYH7 protein. Computational prediction is inconclusive regarding the impact of this variant on protein structure and function To our knowledge, functional studies have not been reported for this variant. This variant has been reported in two individuals affected with hypertrophic cardiomyopathy (PMID: 18258667, 34542152). It has also been reported in two individuals affected with dilated cardiomyopathy (PMID: 33552729, 33996946)one of these individuals also carried a pathogenic truncation variant in the TTN gene (PMID: 33552729). This variant has been identified in 7/251484 chromosomes in the general population by the Genome Aggregation Database (gnomAD). The available evidence is insufficient to determine the role of this variant in disease conclusively. Therefore, this variant is classified as a Variant of Uncertain Significance.

CeGaT Center for Human Genetics Tuebingen
Classification: Uncertain significance. Last evaluated: 2025-03-01. Review status: criteria provided, single submitter. Criteria: CeGaT Center For Human Genetics Tuebingen Variant Classification Criteria Version 2. Collection method: clinical testing. Allele origin: germline. Affected: yes. Observed: 1 variant allele.
Comment: MYH7: PM1, PS4:Moderate, PM2:Supporting

GeneDx
Classification: Uncertain significance. Last evaluated: 2023-05-09. Review status: criteria provided, single submitter. Criteria: GeneDx Variant Classification Process June 2021. Collection method: clinical testing. Allele origin: germline. Affected: yes.
Comment: In silico analysis supports that this missense variant does not alter protein structure/function; This variant is associated with the following publications: (PMID: 25163546, 34426522, 26582918, 34542152, 33996946, 29300372, 27532257, 18258667)

Literature cited by the submitters: PubMed 18258667 (cited by 3 submitters); PubMed 33552729 (cited by Labcorp Genetics (formerly Invitae), Labcorp and Color Diagnostics, LLC DBA Color Health); PubMed 33996946 (cited by 3 submitters); PubMed 34542152 (cited by Labcorp Genetics (formerly Invitae), Labcorp and Color Diagnostics, LLC DBA Color Health); PubMed 25163546 (cited by Ambry Genetics).